The following is an entry in ClinVar:

ClinVar aggregate classification (germline): Likely pathogenic (1 of 4 stars; one submission).

Conditions:
Ornithine carbamoyltransferase deficiency (OTCD). Also called: ORNITHINE TRANSCARBAMYLASE DEFICIENCY; ORNITHINE TRANSCARBAMYLASE DEFICIENCY, HYPERAMMONEMIA DUE TO; Ornithine Carbamoyltransferase Deficiency Disease; OTC DEFICIENCY. Identifiers: Orphanet 664, MedGen C0268542, MONDO:0010703, OMIM 311250.

Submission:

Labcorp Genetics (formerly Invitae), Labcorp
Classification: Likely pathogenic for Ornithine carbamoyltransferase deficiency. Last evaluated: 2024-12-02. Review status: criteria provided, single submitter. Criteria: Invitae Variant Classification Sherloc (09022015). Collection method: clinical testing. Allele origin: germline.
Comment: This sequence change replaces aspartic acid, which is acidic and polar, with histidine, which is basic and polar, at codon 175 of the OTC protein (p.Asp175His). This variant is not present in population databases (gnomAD no frequency). This variant has not been reported in the literature in individuals affected with OTC-related conditions. Invitae Evidence Modeling of protein sequence and biophysical properties (such as structural, functional, and spatial information, amino acid conservation, physicochemical variation, residue mobility, and thermodynamic stability) indicates that this missense variant is expected to disrupt OTC protein function with a positive predictive value of 95%. This variant disrupts the p.Asp175 amino acid residue in OTC. Other variant(s) that disrupt this residue have been observed in individuals with OTC-related conditions (PMID: 9266388, 34014569; internal data), which suggests that this may be a clinically significant amino acid residue. In summary, the currently available evidence indicates that the variant is pathogenic, but additional data are needed to prove that conclusively. Therefore, this variant has been classified as Likely Pathogenic.

Literature cited by the submitters: PubMed 9266388; PubMed 34014569.

NM_000531.6(OTC):c.523G>C (p.Asp175His)

Gene: OTC (ornithine transcarbamylase; plus strand). Cytogenetic location: Xp11.4.
Variant type: single nucleotide variant.
Coding change: c.523G>C on transcript NM_000531.6 (MANE Select); coding-DNA position 523, G replaced by C.
Protein change: p.Asp175His; replaces aspartic acid 175 with histidine.
Molecular consequence: missense variant.
Genome position (GRCh38, 1-based): chrX:38,401,411, G>C. VCF-style: chrX-38401411-G-C. GRCh37 (hg19) VCF-style: chrX-38260664-G-C.
Other names: c.523G>C, p.Asp175His (NM_001407092.1); short protein forms D175H.
Identifiers: ClinVar variation 3634886 (VCV003634886.2).